The following is an entry in ClinVar:

NM_177438.3(DICER1):c.4243G>A (p.Glu1415Lys)

Gene: DICER1 (dicer 1, ribonuclease III; minus strand). Cytogenetic location: 14q32.13.
Variant type: single nucleotide variant.
Coding change: c.4243G>A on transcript NM_177438.3 (MANE Select); coding-DNA position 4243, G replaced by A.
Protein change: p.Glu1415Lys; replaces glutamic acid 1415 with lysine.
Molecular consequence: missense variant. On other transcripts: non-coding transcript variant (6).
Genome position (GRCh38, 1-based): chr14:95,096,677, C>T on the plus strand (G>A on the coding strand, the complement: DICER1 is on the minus strand). VCF-style: chr14-95096677-C-T. GRCh37 (hg19) VCF-style: chr14-95563014-C-T.
Other names: c.4243G>A, p.Glu1415Lys (NM_001195573.1, NM_001271282.3, NM_001291628.2 and 13 more transcripts); c.3961G>A, p.Glu1321Lys (NM_001395686.1); c.3838G>A, p.Glu1280Lys (NM_001395687.1, NM_001395688.1, NM_001395689.1 and 2 more transcripts); c.3676G>A, p.Glu1226Lys (NM_001395691.1); c.2560G>A, p.Glu854Lys (NM_001395697.1); short protein forms E1226K, E1415K, E854K, E1321K, E1280K.
Identifiers: ClinVar variation 2184563 (VCV002184563.5), dbSNP rs2542515182, ClinGen allele CA390869747.

ClinVar aggregate classification (germline): Uncertain significance. Review status: criteria provided, multiple submitters, no conflicts (2 of 4 stars). 2 submissions from 2 submitters: Uncertain significance (2). Last evaluated 2023-01-03.

Conditions:
DICER1-related tumor predisposition. Also called: DICER1-related pleuropulmonary blastoma cancer predisposition syndrome; DICER1 syndrome. Identifiers: Orphanet 284343, MedGen C3839822, MONDO:0100216.

Submissions (2):

Quest Diagnostics Nichols Institute San Juan Capistrano
Classification: Uncertain significance. Last evaluated: 2023-01-03. Review status: criteria provided, single submitter. Criteria: Quest Diagnostics criteria. Collection method: clinical testing. Allele origin: unknown.
Comment: This variant has not been reported in the published literature. It also has not been reported in large, multi-ethnic general populations. Analysis of this variant using bioinformatics tools for the prediction of the effect of amino acid changes on protein structure and function yielded predictions that this variant is benign. Based on the available information, we are unable to determine the clinical significance of this variant.

Labcorp Genetics (formerly Invitae), Labcorp
Classification: Uncertain significance for DICER1-related tumor predisposition. Last evaluated: 2022-10-05. Review status: criteria provided, single submitter. Criteria: Invitae Variant Classification Sherloc (09022015). Collection method: clinical testing. Allele origin: germline.
Comment: This sequence change replaces glutamic acid, which is acidic and polar, with lysine, which is basic and polar, at codon 1415 of the DICER1 protein (p.Glu1415Lys). This variant is not present in population databases (gnomAD no frequency). This variant has not been reported in the literature in individuals affected with DICER1-related conditions. Algorithms developed to predict the effect of missense changes on protein structure and function output the following: SIFT: "Tolerated"; PolyPhen-2: "Benign"; Align-GVGD: "Class C0". The lysine amino acid residue is found in multiple mammalian species, which suggests that this missense change does not adversely affect protein function. In summary, the available evidence is currently insufficient to determine the role of this variant in disease. Therefore, it has been classified as a Variant of Uncertain Significance.